The following is an entry in ClinVar:

ClinVar aggregate classification (germline): Uncertain significance (1 of 4 stars; one submission).

Conditions:
Familial adenomatous polyposis 1 (FAP1). Also called: FAMILIAL ADENOMATOUS POLYPOSIS 1, ATTENUATED; POLYPOSIS, ADENOMATOUS INTESTINAL. Identifiers: MedGen C2713442, MONDO:0021056, OMIM 175100. Disease mechanism: loss of function.

Submission:

Labcorp Genetics (formerly Invitae), Labcorp
Classification: Uncertain significance for Familial adenomatous polyposis 1. Last evaluated: 2020-01-25. Review status: criteria provided, single submitter. Criteria: Invitae Variant Classification Sherloc (09022015). Collection method: clinical testing. Allele origin: germline.
Comment: In summary, the available evidence is currently insufficient to determine the role of this variant in disease. Therefore, it has been classified as a Variant of Uncertain Significance. Algorithms developed to predict the effect of missense changes on protein structure and function are either unavailable or do not agree on the potential impact of this missense change (SIFT: "Deleterious"; PolyPhen-2: "Possibly Damaging"; Align-GVGD: "Class C0"). This variant has not been reported in the literature in individuals with APC-related conditions. This variant is not present in population databases (ExAC no frequency). This sequence change replaces alanine with valine at codon 1283 of the APC protein (p.Ala1283Val). The alanine residue is highly conserved and there is a small physicochemical difference between alanine and valine.

NM_000038.6(APC):c.3848C>T (p.Ala1283Val)

Gene: APC (APC regulator of Wnt signaling pathway; plus strand). Cytogenetic location: 5q22.2.
Variant type: single nucleotide variant.
Coding change: c.3848C>T on transcript NM_000038.6 (MANE Select); coding-DNA position 3848, C replaced by T.
Protein change: p.Ala1283Val; replaces alanine 1283 with valine.
Molecular consequence: missense variant.
Genome position (GRCh38, 1-based): chr5:112,839,442, C>T. VCF-style: chr5-112839442-C-T. GRCh37 (hg19) VCF-style: chr5-112175139-C-T.
Other names: c.3848C>T, p.Ala1283Val (NM_001127510.3, NM_001354895.2); c.3794C>T, p.Ala1265Val (NM_001127511.3); c.3902C>T, p.Ala1301Val (NM_001354896.2); c.3878C>T, p.Ala1293Val (NM_001354897.2); c.3773C>T, p.Ala1258Val (NM_001354898.2); c.3764C>T, p.Ala1255Val (NM_001354899.2); c.3725C>T, p.Ala1242Val (NM_001354900.2); c.3671C>T, p.Ala1224Val (NM_001354901.2); and 5 more; short protein forms A1000V, A1123V, A1157V, A1182V, A1192V, A1224V, A1242V, A1255V.
Identifiers: ClinVar variation 1007910 (VCV001007910.48), dbSNP rs1765537607, ClinGen allele CA16029774.